The following is an entry in ClinVar:

NM_031892.3(SH3KBP1):c.1093C>A (p.Pro365Thr)

Gene: SH3KBP1 (SH3 domain containing kinase binding protein 1; minus strand). Cytogenetic location: Xp22.12.
Variant type: single nucleotide variant.
Coding change: c.1093C>A on transcript NM_031892.3 (MANE Select); coding-DNA position 1093, C replaced by A.
Protein change: p.Pro365Thr; replaces proline 365 with threonine.
Molecular consequence: missense variant.
Genome position (GRCh38, 1-based): chrX:19,592,112, G>T on the plus strand (C>A on the coding strand, the complement: SH3KBP1 is on the minus strand). VCF-style: chrX-19592112-G-T. GRCh37 (hg19) VCF-style: chrX-19610230-G-T.
Other names: c.982C>A, p.Pro328Thr (NM_001024666.3); c.379C>A, p.Pro127Thr (NM_001184960.2, NM_001353897.2); c.1093C>A, p.Pro365Thr (NM_001353890.2); c.1168C>A, p.Pro390Thr (NM_001353891.2, NM_001353892.2); c.991C>A, p.Pro331Thr (NM_001353893.2, NM_001353894.2); c.1048C>A, p.Pro350Thr (NM_001353895.2); c.1225C>A, p.Pro409Thr (NM_001410756.1, NM_001410757.1); c.916C>A, p.Pro306Thr (NM_001410758.1); short protein forms P127T, P328T, P365T, P306T, P331T, P409T, P350T, P390T.
Identifiers: ClinVar variation 3318102 (VCV003318102.3).

ClinVar aggregate classification (germline): Uncertain significance. Review status: criteria provided, multiple submitters, no conflicts (2 of 4 stars). 2 submissions from 2 submitters: Uncertain significance (2). Last evaluated 2025-02-21.

Submissions (2):

Labcorp Genetics (formerly Invitae), Labcorp
Classification: Uncertain significance. Last evaluated: 2025-02-21. Review status: criteria provided, single submitter. Criteria: Invitae Variant Classification Sherloc (09022015). Collection method: clinical testing. Allele origin: germline.
Comment: This sequence change replaces proline, which is neutral and non-polar, with threonine, which is neutral and polar, at codon 365 of the SH3KBP1 protein (p.Pro365Thr). This variant is not present in population databases (gnomAD no frequency). This variant has not been reported in the literature in individuals affected with SH3KBP1-related conditions. ClinVar contains an entry for this variant (Variation ID: 3318102). Invitae Evidence Modeling of protein sequence and biophysical properties (such as structural, functional, and spatial information, amino acid conservation, physicochemical variation, residue mobility, and thermodynamic stability) has been performed for this missense variant. However, the output from this modeling did not meet the statistical confidence thresholds required to predict the impact of this variant on SH3KBP1 protein function. In summary, the available evidence is currently insufficient to determine the role of this variant in disease. Therefore, it has been classified as a Variant of Uncertain Significance.

Ambry Genetics
Classification: Uncertain significance. Last evaluated: 2024-06-05. Review status: criteria provided, single submitter. Criteria: Ambry Variant Classification Scheme 2023. Collection method: clinical testing. Allele origin: germline.